The following is an entry in ClinVar:

ClinVar aggregate classification (germline): Uncertain significance (1 of 4 stars; one submission).

Conditions:
Bethlem myopathy 1A. Also called: MYOPATHY, BENIGN CONGENITAL, WITH CONTRACTURES; Bethlem myopathy 1; Bethlem Muscular Dystrophy. Identifiers: Orphanet 610, MedGen CN029274, MONDO:0024530, OMIM 158810.

gnomAD v4.1: 2 of 1,613,992 alleles (0.00012%); highest among the groups gnomAD compares: Non-Finnish European, 0.00017%; no homozygotes.

Submission:

Labcorp Genetics (formerly Invitae), Labcorp
Classification: Uncertain significance for Bethlem myopathy 1A. Last evaluated: 2025-07-11. Review status: criteria provided, single submitter. Criteria: Invitae Variant Classification Sherloc (09022015). Collection method: clinical testing. Allele origin: germline.
Comment: This sequence change replaces glycine, which is neutral and non-polar, with serine, which is neutral and polar, at codon 339 of the COL6A3 protein (p.Gly339Ser). This variant is present in population databases (rs771081899, gnomAD 0.0009%). This variant has not been reported in the literature in individuals affected with COL6A3-related conditions. Invitae Evidence Modeling of protein sequence and biophysical properties (such as structural, functional, and spatial information, amino acid conservation, physicochemical variation, residue mobility, and thermodynamic stability) has been performed for this missense variant. However, the output from this modeling did not meet the statistical confidence thresholds required to predict the impact of this variant on COL6A3 protein function. In summary, the available evidence is currently insufficient to determine the role of this variant in disease. Therefore, it has been classified as a Variant of Uncertain Significance.

NM_004369.4(COL6A3):c.1015G>A (p.Gly339Ser)

Gene: COL6A3 (collagen type VI alpha 3 chain; minus strand). Cytogenetic location: 2q37.3.
Variant type: single nucleotide variant.
Coding change: c.1015G>A on transcript NM_004369.4 (MANE Select); coding-DNA position 1015, G replaced by A.
Protein change: p.Gly339Ser; replaces glycine 339 with serine.
Molecular consequence: missense variant. On other transcripts: intron variant (2).
Genome position (GRCh38, 1-based): chr2:237,387,879, C>T on the plus strand (G>A on the coding strand, the complement: COL6A3 is on the minus strand). VCF-style: chr2-237387879-C-T. GRCh37 (hg19) VCF-style: chr2-238296522-C-T.
Other names: c.397G>A, p.Gly133Ser (NM_057165.5, NM_057167.4); c.92-6380G>A (NM_057166.5, NM_057164.5); short protein forms G133S, G339S.
Identifiers: ClinVar variation 4800380 (VCV004800380.1).